The following is an entry in ClinVar:

ClinVar aggregate classification (germline): Uncertain significance. Review status: criteria provided, multiple submitters, no conflicts (2 of 4 stars). 2 submissions from 2 submitters: Uncertain significance (2). Last evaluated 2026-04-29.

Conditions:
Acute myeloid leukemia (AML). Also called: Leukemia, acute myeloid, somatic; Leukemia, acute myelogenous, somatic; Acute myeloid leukemia, adult; AML adult; Acute non-lymphocytic leukemia; Acute granulocytic leukemia. Identifiers: Orphanet 519, MedGen C0023467, MeSH D015470, MONDO:0018874, OMIM 601626, HP:0004808. Disease mechanism: Constitutively activated FLT3.
Inborn genetic diseases. Identifiers: MedGen C0950123, MeSH D030342.

Submissions (2):

Ambry Genetics
Classification: Uncertain significance for Inborn genetic diseases. Last evaluated: 2026-04-29. Review status: criteria provided, single submitter. Criteria: Ambry Variant Classification Scheme 2023. Collection method: clinical testing. Allele origin: germline.
Comment: The c.355_357dupGTC variant (also known as p.V119dup), located in coding exon 1 of the CEBPA gene, results from an in-frame duplication of GTC at nucleotide positions 355 to 357. This results in the duplication of an extra valine residue between codons 119 and 120. This amino acid position is not well conserved in available vertebrate species. In addition, this variant is predicted to be neutral by in silico analysis (Choi Y et al. PLoS ONE. 2012; 7(10):e46688). Based on the available evidence, the clinical significance of this variant remains unclear.

Labcorp Genetics (formerly Invitae), Labcorp
Classification: Uncertain significance for Acute myeloid leukemia. Last evaluated: 2023-07-10. Review status: criteria provided, single submitter. Criteria: Invitae Variant Classification Sherloc (09022015). Collection method: clinical testing. Allele origin: germline.
Comment: The frequency data for this variant in the population databases is considered unreliable, as metrics indicate insufficient coverage at this position in the gnomAD database. In summary, the available evidence is currently insufficient to determine the role of this variant in disease. Therefore, it has been classified as a Variant of Uncertain Significance. Experimental studies and prediction algorithms are not available or were not evaluated, and the functional significance of this variant is currently unknown. ClinVar contains an entry for this variant (Variation ID: 1520699). This variant has not been reported in the literature in individuals affected with CEBPA-related conditions. This variant, c.355_357dup, results in the insertion of 1 amino acid(s) of the CEBPA protein (p.Val119dup), but otherwise preserves the integrity of the reading frame.

NM_004364.5(CEBPA):c.355_357dup (p.Val119dup)

Gene: CEBPA (CCAAT enhancer binding protein alpha; minus strand). Cytogenetic location: 19q13.11.
Variant type: Duplication.
Coding change: c.355_357dup on transcript NM_004364.5 (MANE Select); coding-DNA positions 355 to 357, 3 bases duplicated (GTC; older notation c.355_357dupGTC).
Protein change: p.Val119dup; duplicates valine 119.
Molecular consequence: inframe insertion.
Genome position (GRCh38, 1-based): chr19:33,302,058-33,302,060, GAC duplicated on the plus strand (GTC on the coding strand, the reverse complement: CEBPA is on the minus strand); duplicating any 3 consecutive bases within chr19:33,302,058-33,302,061 gives the same sequence; the c. name uses the placement nearest the transcript's 3' end. VCF-style (leftmost placement, unchanged base first): chr19-33302057-T-TGAC. GRCh37 (hg19) VCF-style: chr19-33792963-T-TGAC.
Other names: c.355_357dupGTC (NM_004364.3); c.460_462dup, p.Val154dup (NM_001287424.2); c.313_315dup, p.Val105dup (NM_001287435.2).
Identifiers: ClinVar variation 1520699 (VCV001520699.10), dbSNP rs2145262720, ClinGen allele CA2573156219.